The following is an entry in ClinVar:

NM_002361.4(MAG):c.18A>G (p.Ala6=)

Gene: MAG (myelin associated glycoprotein; plus strand). Cytogenetic location: 19q13.12.
Variant type: single nucleotide variant.
Coding change: c.18A>G on transcript NM_002361.4 (MANE Select); coding-DNA position 18, A replaced by G.
Protein change: p.Ala6=; no amino-acid change (alanine 6 retained).
Molecular consequence: synonymous variant. On other transcripts: intron variant (1).
Genome position (GRCh38, 1-based): chr19:35,295,426, A>G. VCF-style: chr19-35295426-A-G. GRCh37 (hg19) VCF-style: chr19-35786329-A-G.
Other names: c.18A>G, p.Ala6= (NM_080600.3); c.-85-29A>G (NM_001199216.2).
Identifiers: ClinVar variation 542304 (VCV000542304.33), dbSNP rs147354231, ClinGen allele CA9375889.
Genomic context (GRCh38, chr19:35,295,426, plus strand): 5'-CCTCTCCTCTCCCTTTCCAGCGATCACTCACTCGCTGTACAGAATGATATTCCTCACGGC[A>G]CTGCCTCTGTTCTGGATTATGATTTCAGGTAACGGCTGACAGGTGCTGGGGACCTAAAGG-3'
Protein context (NP_002352.1, residues 1-16): MIFLT[Ala6=]LPLFWIMISA

ClinVar aggregate classification (germline): Likely benign. Review status: criteria provided, multiple submitters, no conflicts (2 of 4 stars). 2 submissions from 2 submitters: Likely benign (2). Last evaluated 2026-06-01.

Conditions:
Hereditary spastic paraplegia 75. Also called: Spastic paraplegia 75, autosomal recessive. Identifiers: Orphanet 459056, MedGen C4225250, MONDO:0014729, OMIM 616680.

Allele frequency attached by ClinVar (database versions not stated): 1000 Genomes Project 30x 0.00016; 1000 Genomes Project 0.00020; gnomAD 0.00031; TOPMed 0.00032; gnomAD exomes 0.00039 and 0.00058; ExAC 0.00056; ESP Exome Variant Server 0.00069.
gnomAD v4.1: 959 of 1,613,880 alleles (0.059%); highest among the groups gnomAD compares: Non-Finnish European, 0.072%; 2 homozygotes.

Submissions (2):

CeGaT Center for Human Genetics Tuebingen
Classification: Likely benign. Last evaluated: 2026-06-01. Review status: criteria provided, single submitter. Criteria: CeGaT Center For Human Genetics Tuebingen Variant Classification Criteria Version 2. Collection method: clinical testing. Allele origin: germline. Affected: yes. Observed: 4 variant alleles.
Comment: MAG: BP4, BP7

Labcorp Genetics (formerly Invitae), Labcorp
Classification: Likely benign for Hereditary spastic paraplegia 75. Last evaluated: 2026-01-15. Review status: criteria provided, single submitter. Criteria: Invitae Variant Classification Sherloc (09022015). Collection method: clinical testing. Allele origin: germline.